The following is an entry in ClinVar:

ClinVar aggregate classification (germline): Pathogenic (0 of 4 stars; one submission).

Conditions:
Agammaglobulinemia. Identifiers: Orphanet 183669, MedGen C0001768, MeSH D000361, MONDO:0015977, HP:0004432.

Submission:

Neil Romberg Laboratory, Children's Hospital of Philadelphia
Classification: Pathogenic for Agammaglobulinemia. Last evaluated: 2024-12-12. Review status: no assertion criteria provided. Collection method: research. Allele origin: germline. Affected: yes.
Comment: In cis, these four serial variants cause a frameshifting mutation that is predicted to generate either an unstable transcript and/or an unstable truncated protein (D48Afs*82) that lacks an ETS domain.

NM_003120.3(SPI1):c.[147_155del;157T>G159C>G]

Variant type: Haplotype.
Identifiers: ClinVar variation 3392518 (VCV003392518.1).